The following is an entry in ClinVar:

NM_001127644.2(GABRA1):c.97G>A (p.Asp33Asn)

Gene: GABRA1 (gamma-aminobutyric acid type A receptor subunit alpha1; plus strand). Cytogenetic location: 5q34.
Variant type: single nucleotide variant.
Coding change: c.97G>A on transcript NM_001127644.2 (MANE Select); coding-DNA position 97, G replaced by A.
Protein change: p.Asp33Asn; replaces aspartic acid 33 with asparagine.
Molecular consequence: missense variant.
Genome position (GRCh38, 1-based): chr5:161,854,180, G>A. VCF-style: chr5-161854180-G-A. GRCh37 (hg19) VCF-style: chr5-161281186-G-A.
Other names: c.97G>A, p.Asp33Asn (NM_000806.5, NM_001127643.2, NM_001127645.2 and 1 more transcripts); short protein forms D33N.
Identifiers: ClinVar variation 2947383 (VCV002947383.3), dbSNP rs1172174788, ClinGen allele CA362181484.

ClinVar aggregate classification (germline): Uncertain significance (1 of 4 stars; one submission).

Conditions:
Idiopathic generalized epilepsy. Also called: EIG; Generalised epilepsy. Identifiers: MedGen C0270850, MONDO:0005579, OMIM 600669.
Epilepsy, idiopathic generalized, susceptibility to, 13. Also called: EPILEPSY, JUVENILE MYOCLONIC, SUSCEPTIBILITY TO, 5. Identifiers: Orphanet 307, Orphanet 64280, MedGen C4013473, MONDO:0012627, OMIM 611136.
Epilepsy, childhood absence 4 (ECA4). Also called: EPILEPSY, CHILDHOOD ABSENCE, SUSCEPTIBILITY TO, 4. Identifiers: Orphanet 307, MedGen C1970160.

Allele frequency attached by ClinVar (database versions not stated): gnomAD 0.00001.

Submission:

Labcorp Genetics (formerly Invitae), Labcorp
Classification: Uncertain significance for Epilepsy, childhood absence 4; Epilepsy, idiopathic generalized, susceptibility to, 13; Idiopathic generalized epilepsy. Last evaluated: 2024-01-24. Review status: criteria provided, single submitter. Criteria: Invitae Variant Classification Sherloc (09022015). Collection method: clinical testing. Allele origin: germline.
Comment: This sequence change replaces aspartic acid, which is acidic and polar, with asparagine, which is neutral and polar, at codon 33 of the GABRA1 protein (p.Asp33Asn). This variant is not present in population databases (gnomAD no frequency). This variant has not been reported in the literature in individuals affected with GABRA1-related conditions. Advanced modeling of protein sequence and biophysical properties (such as structural, functional, and spatial information, amino acid conservation, physicochemical variation, residue mobility, and thermodynamic stability) has been performed at Invitae for this missense variant, however the output from this modeling did not meet the statistical confidence thresholds required to predict the impact of this variant on GABRA1 protein function. In summary, the available evidence is currently insufficient to determine the role of this variant in disease. Therefore, it has been classified as a Variant of Uncertain Significance.